The following is an entry in ClinVar:

NM_020738.4(KIDINS220):c.4549C>T (p.Gln1517Ter)

Gene: KIDINS220 (kinase D interacting substrate 220; minus strand). Cytogenetic location: 2p25.1.
Variant type: single nucleotide variant.
Coding change: c.4549C>T on transcript NM_020738.4 (MANE Select); coding-DNA position 4549, C replaced by T.
Protein change: p.Gln1517Ter; replaces glutamine 1517 with a stop codon.
Molecular consequence: nonsense. On other transcripts: intron variant (6).
Genome position (GRCh38, 1-based): chr2:8,731,487, G>A on the plus strand (C>T on the coding strand, the complement: KIDINS220 is on the minus strand). VCF-style: chr2-8731487-G-A. GRCh37 (hg19) VCF-style: chr2-8871617-G-A.
Other names: c.4552C>T, p.Gln1518Ter (NM_001348729.2); c.4495C>T, p.Gln1499Ter (NM_001348731.2); c.4492C>T, p.Gln1498Ter (NM_001348732.2); c.4381C>T, p.Gln1461Ter (NM_001348734.2); c.4378C>T, p.Gln1460Ter (NM_001348735.2); c.4252C>T, p.Gln1418Ter (NM_001348736.2); c.3882+1957C>T (NM_001348741.2, NM_001348742.2, NM_001348743.2); c.3996+1957C>T (NM_001348738.2); and 1 more; short protein forms Q1461*, Q1499*, Q1518*, Q1460*, Q1418*, Q1498*, Q1517*.
Identifiers: ClinVar variation 1030723 (VCV001030723.5), dbSNP rs1664085645, ClinGen allele CA345763824.

ClinVar aggregate classification (germline): Uncertain significance. Review status: criteria provided, multiple submitters, no conflicts (2 of 4 stars). 3 submissions from 3 submitters: Uncertain significance (3). Last evaluated 2022-12-15.

Conditions:
Spastic paraplegia, intellectual disability, nystagmus, and obesity. Also called: Spastic paraplegia, intellectual disability, nystagmus, and obesity;. Identifiers: Orphanet 521390, MedGen C4284592, MONDO:0015007, OMIM 617296.

Submissions (3):

Labcorp Genetics (formerly Invitae), Labcorp
Classification: Uncertain significance. Last evaluated: 2022-12-15. Review status: criteria provided, single submitter. Criteria: Invitae Variant Classification Sherloc (09022015). Collection method: clinical testing. Allele origin: germline.
Comment: This sequence change creates a premature translational stop signal (p.Gln1517*) in the KIDINS220 gene. While this is not anticipated to result in nonsense mediated decay, it is expected to disrupt the last 255 amino acid(s) of the KIDINS220 protein. This variant is not present in population databases (gnomAD no frequency). This variant has not been reported in the literature in individuals affected with KIDINS220-related conditions. ClinVar contains an entry for this variant (Variation ID: 1030723). Experimental studies and prediction algorithms are not available or were not evaluated, and the functional significance of this variant is currently unknown. In summary, the available evidence is currently insufficient to determine the role of this variant in disease. Therefore, it has been classified as a Variant of Uncertain Significance.

Baylor Genetics
Classification: Uncertain significance for Spastic paraplegia, intellectual disability, nystagmus, and obesity. Last evaluated: 2020-01-20. Review status: criteria provided, single submitter. Criteria: ACMG Guidelines, 2015. Collection method: clinical testing. Allele origin: unknown. Affected: yes.
Comment: This variant was determined to be of uncertain significance according to ACMG Guidelines, 2015 [PMID:25741868].

Daryl Scott Lab, Baylor College of Medicine
Classification: Uncertain significance for Spastic paraplegia, intellectual disability, nystagmus, and obesity. Review status: criteria provided, single submitter. Criteria: ACMG Guidelines, 2015. Collection method: clinical testing. Allele origin: unknown. Affected: yes. Observed: 1 heterozygote.
Comment: PVS1_supporting, PM2, PP3